The following is an entry in ClinVar:

ClinVar aggregate classification (germline): Pathogenic. Review status: criteria provided, multiple submitters, no conflicts (2 of 4 stars). 8 submissions from 7 submitters: Pathogenic (8). Last evaluated 2026-08-28.

Conditions:
USH2A-related disorder. Also called: USH2A-related disorders; USH2A-related condition. Identifiers: MedGen CN239332.
Retinal disorder. Also called: Retinopathy; Retinopathies; Retinal Diseases; Retinal disorders. Identifiers: MedGen C0035309, MONDO:0005283, HP:0000488.
Monogenic hearing loss.
Retinitis pigmentosa 39 (RP39). Identifiers: Orphanet 791, MedGen C3151138, MONDO:0013436, OMIM 613809.
Usher syndrome type 2A. Also called: RETINAL DISEASE IN USHER SYNDROME TYPE IIA, MODIFIER OF; USHER SYNDROME, TYPE IIA. Identifiers: Orphanet 231178, Orphanet 886, MedGen C1848634, MONDO:0010169, OMIM 276901.

gnomAD v4.1: 22 of 1,613,804 alleles (0.0014%); highest among the groups gnomAD compares: Non-Finnish European, 0.0019%; no homozygotes.

Submissions (8):

Myriad Genetics, Inc.
Classification: Pathogenic for USH2A-related disorder. Last evaluated: 2026-08-28. Review status: criteria provided, single submitter. Criteria: Myriad Autosomal Dominant, Autosomal Recessive and X-Linked Classification Criteria (2023). Collection method: clinical testing. Allele origin: unknown.
Comment: NM_206933.2(USH2A):c.1618C>T(Q540*) is a nonsense variant classified as pathogenic in the context of USH2A-related disorders. Q540* has been observed in cases with relevant disease (PMID: 25412400, 36011334, 38219857, 37261916, 35266249). Relevant functional assessments of this variant are not available in the literature. Q540* has not been observed in referenced population frequency databases. In summary, NM_206933.2(USH2A):c.1618C>T(Q540*) is a nonsense variant in a gene where loss of function is a known mechanism of disease, is predicted to disrupt protein function, and has been observed more frequently in cases with the relevant disease than in healthy populations. Please note: this variant was assessed in the context of healthy population screening.

Labcorp Genetics (formerly Invitae), Labcorp
Classification: Pathogenic. Last evaluated: 2025-09-29. Review status: criteria provided, single submitter. Criteria: Invitae Variant Classification Sherloc (09022015). Collection method: clinical testing. Allele origin: germline.
Comment: This sequence change creates a premature translational stop signal (p.Gln540*) in the USH2A gene. It is expected to result in an absent or disrupted protein product. Loss-of-function variants in USH2A are known to be pathogenic (PMID: 10729113, 10909849, 20507924, 25649381). This variant is not present in population databases (gnomAD no frequency). This premature translational stop signal has been observed in individual(s) with Usher syndrome (PMID: 25412400). ClinVar contains an entry for this variant (Variation ID: 940366). For these reasons, this variant has been classified as Pathogenic.

Genetics Laboratory, Great Ormond Street Hospital NHS Foundation Trust, North Thames Genomic Laboratory Hub
Classification: Pathogenic for Retinal disorders. Last evaluated: 2025-08-13. Review status: criteria provided, single submitter. Criteria: ACGS Best Practice Guidelines for Variant Classification in Rare Disease 2024 v1.2. Collection method: clinical testing. Allele origin: germline. Affected: yes.
Comment: PM2_moderate, PVS1_very-strong, PM3_moderate

Genetics Laboratory, Great Ormond Street Hospital NHS Foundation Trust, North Thames Genomic Laboratory Hub
Classification: Pathogenic for Monogenic hearing loss. Last evaluated: 2025-08-13. Review status: criteria provided, single submitter. Criteria: ACGS Best Practice Guidelines for Variant Classification in Rare Disease 2024 v1.2. Collection method: clinical testing. Allele origin: germline. Affected: yes.
Comment: the same text as in the submission from Genetics Laboratory, Great Ormond Street Hospital NHS Foundation Trust, North Thames Genomic Laboratory Hub above.

Victorian Clinical Genetics Services, Murdoch Childrens Research Institute
Classification: Pathogenic for Usher syndrome type 2A. Last evaluated: 2025-07-10. Review status: criteria provided, single submitter. Criteria: ACMG Guidelines, 2015. Collection method: clinical testing. Allele origin: germline. Affected: no.
Comment: This variant is classified as Pathogenic. Evidence in support of pathogenic classification: Variant is predicted to cause nonsense-mediated decay (NMD) and loss of protein (premature termination codon is located at least 54 nucleotides upstream of the final exon-exon junction); Variant is present in gnomAD <0.01 for a recessive condition (v4: 22 heterozygote(s), 0 homozygote(s)); This variant has strong previous evidence of pathogenicity in unrelated individuals. This variant has been classified as pathogenic by multiple clinical laboratories (ClinVar). This variant has been reported in individuals affected with Usher syndrome and autosomal recessive retinitis pigmentosa (PMIDs: 35266249, 25412400, 36011334); Other NMD-predicted variant(s) comparable to the one identified in this case have very strong previous evidence for pathogenicity (DECIPHER). Additional information: This variant is heterozygous; This gene is associated with autosomal recessive disease; Loss of function is a known mechanism of disease in this gene and is associated with Usher syndrome, type 2A (MIM#276901) and retinitis pigmentosa (RP; MIM#6138093). Null variants are associated with Usher syndrome, while homozygous missense variants which lead to partially functional proteins typically cause non-syndromic RP (PMID: 20301515).

Fulgent Genetics
Classification: Pathogenic for Usher syndrome type 2A; Retinitis pigmentosa 39. Last evaluated: 2024-04-30. Review status: criteria provided, single submitter. Criteria: ACMG Guidelines, 2015. Collection method: clinical testing. Allele origin: germline.

Baylor Genetics
Classification: Pathogenic for Retinitis pigmentosa 39. Last evaluated: 2023-03-12. Review status: criteria provided, single submitter. Criteria: ACMG Guidelines, 2015. Collection method: clinical testing. Allele origin: unknown.

Blueprint Genetics
Classification: Pathogenic for USH2A-related disorders. Last evaluated: 2019-12-11. Review status: criteria provided, single submitter. Criteria: ACMG Guidelines, 2015. Collection method: clinical testing. Allele origin: germline. Affected: yes. Observed: 3 variant alleles.

Literature cited by the submitters: PubMed 25412400 (cited by 3 submitters); PubMed 35266249 (cited by Myriad Genetics, Inc. and Victorian Clinical Genetics Services, Murdoch Childrens Research Institute); PubMed 36011334 (cited by Myriad Genetics, Inc. and Victorian Clinical Genetics Services, Murdoch Childrens Research Institute); PubMed 37261916 (cited by Myriad Genetics, Inc.); PubMed 38219857 (cited by Myriad Genetics, Inc.); PubMed 10729113 (cited by Labcorp Genetics (formerly Invitae), Labcorp); PubMed 10909849 (cited by Labcorp Genetics (formerly Invitae), Labcorp); PubMed 20507924 (cited by Labcorp Genetics (formerly Invitae), Labcorp); PubMed 25649381 (cited by Labcorp Genetics (formerly Invitae), Labcorp); PubMed 20301515 (cited by Victorian Clinical Genetics Services, Murdoch Childrens Research Institute).

NM_206933.4(USH2A):c.1618C>T (p.Gln540Ter)

Gene: USH2A (usherin; minus strand). Cytogenetic location: 1q41.
Variant type: single nucleotide variant.
Coding change: c.1618C>T on transcript NM_206933.4 (MANE Select); coding-DNA position 1618, C replaced by T.
Protein change: p.Gln540Ter; replaces glutamine 540 with a stop codon.
Molecular consequence: nonsense.
Genome position (GRCh38, 1-based): chr1:216,321,909, G>A on the plus strand (C>T on the coding strand, the complement: USH2A is on the minus strand). VCF-style: chr1-216321909-G-A. GRCh37 (hg19) VCF-style: chr1-216495251-G-A.
Other names: c.1618C>T, p.Gln540Ter (NM_007123.6); short protein forms Q540*.
Identifiers: ClinVar variation 940366 (VCV000940366.16), dbSNP rs1558036860, ClinGen allele CA344907664.
Genomic context (GRCh38, chr1:216,321,909, plus strand): 5'-TTTTTTAGATTTCCATGCATAAAATAGAACTCACATGAAGTCCTTCAGTGAAGCTCTCCT[G>A]GGAGCAGAGGCATCTATATGGCTGGCTTGTTGTGTCGCAGTTATCGGCATGACCATGGCA-3'